The following is an entry in ClinVar:

NM_024422.6(DSC2):c.2443G>A (p.Glu815Lys)

Gene: DSC2 (desmocollin 2; minus strand). Cytogenetic location: 18q12.1.
Variant type: single nucleotide variant.
Coding change: c.2443G>A on transcript NM_024422.6 (MANE Select); coding-DNA position 2443, G replaced by A.
Protein change: p.Glu815Lys; replaces glutamic acid 815 with lysine.
Molecular consequence: missense variant.
Genome position (GRCh38, 1-based): chr18:31,068,959, C>T on the plus strand (G>A on the coding strand, the complement: DSC2 is on the minus strand). VCF-style: chr18-31068959-C-T. GRCh37 (hg19) VCF-style: chr18-28648925-C-T.
Other names: c.2014G>A, p.Glu672Lys (NM_001406506.1, NM_001406507.1); c.2443G>A, p.Glu815Lys (NM_004949.5); short protein forms E672K, E815K.
Identifiers: ClinVar variation 4750894 (VCV004750894.1).

ClinVar aggregate classification (germline): Uncertain significance (1 of 4 stars; one submission).

Conditions:
Arrhythmogenic right ventricular dysplasia 11. Also called: ARRHYTHMOGENIC RIGHT VENTRICULAR DYSPLASIA, FAMILIAL, 11; Arrhythmogenic Right Ventricular Dysplasia/Cardiomyopathy11; Arrhythmogenic right ventricular dysplasia 11 with mild palmoplantar keratoderma and woolly hair. Identifiers: MedGen C1864850, MONDO:0012506, OMIM 610476.

Submission:

Labcorp Genetics (formerly Invitae), Labcorp
Classification: Uncertain significance for Arrhythmogenic right ventricular dysplasia 11. Last evaluated: 2025-05-23. Review status: criteria provided, single submitter. Criteria: Invitae Variant Classification Sherloc (09022015). Collection method: clinical testing. Allele origin: germline.
Comment: This sequence change replaces glutamic acid, which is acidic and polar, with lysine, which is basic and polar, at codon 815 of the DSC2 protein (p.Glu815Lys). This variant is present in population databases (no rsID available, gnomAD 0.0009%). This variant has not been reported in the literature in individuals affected with DSC2-related conditions. Invitae Evidence Modeling of protein sequence and biophysical properties (such as structural, functional, and spatial information, amino acid conservation, physicochemical variation, residue mobility, and thermodynamic stability) indicates that this missense variant is not expected to disrupt DSC2 protein function with a negative predictive value of 80%. In summary, the available evidence is currently insufficient to determine the role of this variant in disease. Therefore, it has been classified as a Variant of Uncertain Significance.